The following is an entry in ClinVar:

NM_004525.3(LRP2):c.4479G>A (p.Ala1493=)

Gene: LRP2 (LDL receptor related protein 2; minus strand). Cytogenetic location: 2q31.1.
Variant type: single nucleotide variant.
Coding change: c.4479G>A on transcript NM_004525.3 (MANE Select); coding-DNA position 4479, G replaced by A.
Protein change: p.Ala1493=; no amino-acid change (alanine 1493 retained).
Molecular consequence: synonymous variant.
Genome position (GRCh38, 1-based): chr2:169,238,118, C>T on the plus strand (G>A on the coding strand, the complement: LRP2 is on the minus strand). VCF-style: chr2-169238118-C-T. GRCh37 (hg19) VCF-style: chr2-170094628-C-T.
Identifiers: ClinVar variation 1335415 (VCV001335415.41), dbSNP rs149473050, ClinGen allele CA1954798.
Genomic context (GRCh38, chr2:169,238,118, plus strand): 5'-AGCCAGGCCAAAGGTCAACAGAAATGTACTTACCACTCTTCTGTCCGTTCCATTTTGAAA[C>T]GCACTCCAGGTTTTACCCTGAGTTGCATCAGACCAAAAGATACGACCACTAATTGAATCA-3'
Protein context (NP_004516.2, residues 1483-1503): SDATQGKTWS[Ala1493=]FQNGTDRRVV

ClinVar aggregate classification (germline): Likely benign. Review status: criteria provided, multiple submitters, no conflicts (2 of 4 stars). 3 submissions from 3 submitters: Likely benign (3). Last evaluated 2026-01-27.

Allele frequency attached by ClinVar (database versions not stated): TOPMed 0.00012; ExAC 0.00014; 1000 Genomes Project 30x 0.00016; 1000 Genomes Project 0.00020; gnomAD 0.00022; ESP Exome Variant Server 0.00023; gnomAD exomes 0.00023.
gnomAD v4.1: 209 of 1,614,084 alleles (0.013%); highest among the groups gnomAD compares: Non-Finnish European, 0.012%; no homozygotes.

Submissions (3):

Labcorp Genetics (formerly Invitae), Labcorp
Classification: Likely benign. Last evaluated: 2026-01-27. Review status: criteria provided, single submitter. Criteria: Invitae Variant Classification Sherloc (09022015). Collection method: clinical testing. Allele origin: germline.

Blueprint Genetics
Classification: Likely benign. Last evaluated: 2024-11-22. Review status: criteria provided, single submitter. Criteria: ACMG Guidelines, 2015. Collection method: clinical testing. Allele origin: germline.

CeGaT Center for Human Genetics Tuebingen
Classification: Likely benign. Last evaluated: 2024-11-01. Review status: criteria provided, single submitter. Criteria: CeGaT Center For Human Genetics Tuebingen Variant Classification Criteria Version 2. Collection method: clinical testing. Allele origin: germline. Affected: yes. Observed: 5 variant alleles.
Comment: LRP2: BP4, BP7